The following is an entry in ClinVar:

ClinVar aggregate classification (germline): Benign/Likely benign. Review status: criteria provided, multiple submitters, no conflicts (2 of 4 stars). 4 submissions from 4 submitters: Benign (2); Likely benign (1). 1 of the submissions does not count toward it. Last evaluated 2025-10-29.

Conditions:
PALLD-related disorder. Also called: PALLD-related condition.
Pancreatic adenocarcinoma. Identifiers: MedGen C0281361, MONDO:0006047, HP:0006725.
Pancreatic cancer, susceptibility to, 1. Identifiers: Orphanet 1333, MedGen C1847351, MONDO:0011739, OMIM 606856.

Allele frequency attached by ClinVar (database versions not stated): gnomAD exomes 0.00008 and 0.00028; gnomAD 0.00010 and 0.00015; TOPMed 0.00020; ExAC 0.00025; 1000 Genomes Project 30x 0.00078; 1000 Genomes Project 0.00100.
gnomAD v4.1: 138 of 1,613,268 alleles (0.0086%); highest among the groups gnomAD compares: East Asian, 0.25%; no homozygotes.

Submissions (4):

Labcorp Genetics (formerly Invitae), Labcorp
Classification: Benign for Pancreatic adenocarcinoma. Last evaluated: 2025-10-29. Review status: criteria provided, single submitter. Criteria: Invitae Variant Classification Sherloc (09022015). Collection method: clinical testing. Allele origin: germline.

Ambry Genetics
Classification: Likely benign. Last evaluated: 2022-02-12. Review status: criteria provided, single submitter. Criteria: Ambry Variant Classification Scheme 2023. Collection method: clinical testing. Allele origin: germline.

Illumina Laboratory Services, Illumina
Classification: Benign for Pancreatic cancer, susceptibility to, 1. Last evaluated: 2018-01-12. Review status: criteria provided, single submitter. Criteria: ICSL Variant Classification Criteria 13 December 2019. Collection method: clinical testing. Allele origin: germline.
Comment: This variant was observed in the ICSL laboratory as part of a predisposition screen in an ostensibly healthy population. It had not been previously curated by ICSL or reported in the Human Gene Mutation Database (HGMD: prior to June 1st, 2018), and was therefore a candidate for classification through an automated scoring system. Utilizing variant allele frequency, disease prevalence and penetrance estimates, and inheritance mode, an automated score was calculated to assess if this variant is too frequent to cause the disease. Based on the score and internal cut-off values, a variant classified as benign is not then subjected to further curation. The score for this variant resulted in a classification of benign for this disease.

PreventionGenetics, part of Exact Sciences
Classification: Likely benign for PALLD-related condition. Last evaluated: 2022-09-27. Review status: no assertion criteria provided. Collection method: clinical testing. Allele origin: germline. Not counted in ClinVar's aggregate classification.
Comment: This variant is classified as likely benign based on ACMG/AMP sequence variant interpretation guidelines (Richards et al. 2015 PMID: 25741868, with internal and published modifications).

NM_001166108.2(PALLD):c.2784T>C (p.Pro928=)

Genes: PALLD (palladin, cytoskeletal associated protein; plus strand), CBR4 (carbonyl reductase 4; minus strand). Cytogenetic location: 4q32.3.
Variant type: single nucleotide variant.
Coding change: c.2784T>C on transcript NM_001166108.2 (MANE Select); coding-DNA position 2784, T replaced by C.
Protein change: p.Pro928=; no amino-acid change (proline 928 retained).
Molecular consequence: synonymous variant.
Genome position (GRCh38, 1-based): chr4:168,915,961, T>C. VCF-style: chr4-168915961-T-C. GRCh37 (hg19) VCF-style: chr4-169837112-T-C.
Other names: c.1587T>C, p.Pro529= (NM_001166109.2); c.1272T>C, p.Pro424= (NM_001166110.2); c.612T>C, p.Pro204= (NM_001367567.1, NM_001367569.1); c.663T>C, p.Pro221= (NM_001367568.1, NM_001367570.1); c.2733T>C, p.Pro911= (NM_016081.4).
Identifiers: ClinVar variation 215489 (VCV000215489.19), dbSNP rs114250766, ClinGen allele CA338742.
Genomic context (GRCh38, chr4:168,915,961, plus strand): 5'-TTCTAGATCAAGGGACAGTGGAGACGAAAATGAACCAATTCAGGAGCGATTCTTCAGACC[T>C]CACTTCTTGCAGGCTCCTGGAGATCTGACTGTTCAAGAAGGAAAACTCTGCAGAATGGAC-3'
Protein context (NP_001159580.1, residues 918-938): NEPIQERFFR[Pro928=]HFLQAPGDLT